The following is an entry in ClinVar:

NM_006946.4(SPTBN2):c.185C>A (p.Thr62Asn)

Gene: SPTBN2 (spectrin beta, non-erythrocytic 2; minus strand). Cytogenetic location: 11q13.2.
Variant type: single nucleotide variant.
Coding change: c.185C>A on transcript NM_006946.4 (MANE Select); coding-DNA position 185, C replaced by A.
Protein change: p.Thr62Asn; replaces threonine 62 with asparagine.
Molecular consequence: missense variant.
Genome position (GRCh38, 1-based): chr11:66,715,954, G>T on the plus strand (C>A on the coding strand, the complement: SPTBN2 is on the minus strand). VCF-style: chr11-66715954-G-T. GRCh37 (hg19) VCF-style: chr11-66483425-G-T.
Other names: c.185C>A (NM_006946.2); short protein forms T62N.
Identifiers: ClinVar variation 1462836 (VCV001462836.6), dbSNP rs2135526299, ClinGen allele CA381484386.

ClinVar aggregate classification (germline): Conflicting classifications of pathogenicity. Review status: criteria provided, conflicting classifications (1 of 4 stars). 2 submissions from 2 submitters: Likely pathogenic (1); Uncertain significance (1). Last evaluated 2023-03-17.

Submissions (2):

GeneDx
Classification: Likely pathogenic. Last evaluated: 2023-03-17. Review status: criteria provided, single submitter. Criteria: GeneDx Variant Classification Process June 2021. Collection method: clinical testing. Allele origin: germline. Affected: yes.
Comment: In silico analysis supports that this missense variant has a deleterious effect on protein structure/function; Not observed at significant frequency in large population cohorts (gnomAD); This variant is associated with the following publications: (PMID: 33756041)

Labcorp Genetics (formerly Invitae), Labcorp
Classification: Uncertain significance. Last evaluated: 2021-09-06. Review status: criteria provided, single submitter. Criteria: Invitae Variant Classification Sherloc (09022015). Collection method: clinical testing. Allele origin: germline.
Comment: In summary, the available evidence is currently insufficient to determine the role of this variant in disease. Therefore, it has been classified as a Variant of Uncertain Significance. This variant disrupts the p.Thr62 amino acid residue in SPTBN2. Other variant(s) that disrupt this residue have been observed in individuals with SPTBN2-related conditions (PMID: 31066025), which suggests that this may be a clinically significant amino acid residue. Advanced modeling of protein sequence and biophysical properties (such as structural, functional, and spatial information, amino acid conservation, physicochemical variation, residue mobility, and thermodynamic stability) performed at Invitae indicates that this missense variant is expected to disrupt SPTBN2 protein function. This missense change has been observed in individual(s) with clinical features of autosomal dominant SPTBN2-related conditions (Invitae). This variant is not present in population databases (ExAC no frequency). This sequence change replaces threonine with asparagine at codon 62 of the SPTBN2 protein (p.Thr62Asn). The threonine residue is highly conserved and there is a small physicochemical difference between threonine and asparagine.

Literature cited by the submitters: PubMed 31066025 (cited by Labcorp Genetics (formerly Invitae), Labcorp).